The following is an entry in ClinVar:

ClinVar aggregate classification (germline): Likely pathogenic (1 of 4 stars; one submission).

Conditions:
Cohen syndrome (COH1). Also called: Cutis verticis gyrata, retinitis pigmentosa, and sensorineural deafness; PEPPER SYNDROME. Identifiers: Orphanet 193, MedGen C0265223, MONDO:0008999, OMIM 216550.

Allele frequency attached by ClinVar (database versions not stated): gnomAD exomes below 0.00001.
gnomAD v4.1: 3 of 1,588,526 alleles (0.00019%); highest among the groups gnomAD compares: Non-Finnish European, 0.00026%; no homozygotes.

Submission:

Labcorp Genetics (formerly Invitae), Labcorp
Classification: Likely pathogenic for Cohen syndrome. Last evaluated: 2023-03-20. Review status: criteria provided, single submitter. Criteria: Invitae Variant Classification Sherloc (09022015). Collection method: clinical testing. Allele origin: germline.
Comment: This sequence change affects an acceptor splice site in intron 5 of the VPS13B gene. It is expected to disrupt RNA splicing. Variants that disrupt the donor or acceptor splice site typically lead to a loss of protein function (PMID: 16199547), and loss-of-function variants in VPS13B are known to be pathogenic (PMID: 15141358, 16648375, 20461111). This variant is not present in population databases (gnomAD no frequency). This variant has not been reported in the literature in individuals affected with VPS13B-related conditions. Algorithms developed to predict the effect of sequence changes on RNA splicing suggest that this variant may disrupt the consensus splice site. In summary, the currently available evidence indicates that the variant is pathogenic, but additional data are needed to prove that conclusively. Therefore, this variant has been classified as Likely Pathogenic.

Literature cited by the submitters: PubMed 16199547; PubMed 15141358; PubMed 16648375; PubMed 20461111.

NM_152564.5(VPS13B):c.581-1G>A

Gene: VPS13B (vacuolar protein sorting 13 homolog B; plus strand). Cytogenetic location: 8q22.2.
Variant type: single nucleotide variant.
Coding change: c.581-1G>A on transcript NM_152564.5 (MANE Select); the canonical splice acceptor site of the intron before coding-DNA position 581, G replaced by A.
Molecular consequence: splice acceptor variant.
Genome position (GRCh38, 1-based): chr8:99,111,097, G>A. VCF-style: chr8-99111097-G-A. GRCh37 (hg19) VCF-style: chr8-100123325-G-A.
Other names: c.581-1G>A (NM_017890.5, NM_015243.3, NM_181661.3).
Identifiers: ClinVar variation 2810568 (VCV002810568.3), dbSNP rs1438331937, ClinGen allele CA371859915.
Genomic context (GRCh38, chr8:99,111,097, plus strand): 5'-AATAGTTGCCTTTCCCCTGCTAATTTTCCTTTTTACTTAAAATGTTTTTTTTTCTTTTTA[G>A]CAACTGATTTGGTGCTGAGAAAGGTTATCAATTTTTCTGACTGTACAGTTTGTCTTGATA-3'